The following is an entry in ClinVar:

ClinVar aggregate classification (germline): Uncertain significance (1 of 4 stars; one submission).

Submission:

Ambry Genetics
Classification: Uncertain significance. Last evaluated: 2024-03-18. Review status: criteria provided, single submitter. Criteria: Ambry Variant Classification Scheme 2023. Collection method: clinical testing. Allele origin: germline.
Comment: The p.P28Q variant (also known as c.83C>A), located in coding exon 1 of the PALLD gene, results from a C to A substitution at nucleotide position 83. The proline at codon 28 is replaced by glutamine, an amino acid with similar properties. This amino acid position is conserved. In addition, the in silico prediction for this alteration is inconclusive. Based on the available evidence, the clinical significance of this alteration remains unclear.

NM_001166108.2(PALLD):c.83C>A (p.Pro28Gln)

Gene: PALLD (palladin, cytoskeletal associated protein; plus strand). Cytogenetic location: 4q32.3.
Variant type: single nucleotide variant.
Coding change: c.83C>A on transcript NM_001166108.2 (MANE Select); coding-DNA position 83, C replaced by A.
Protein change: p.Pro28Gln; replaces proline 28 with glutamine.
Molecular consequence: missense variant.
Genome position (GRCh38, 1-based): chr4:168,511,587, C>A. VCF-style: chr4-168511587-C-A. GRCh37 (hg19) VCF-style: chr4-169432738-C-A.
Other names: c.83C>A, p.Pro28Gln (NM_016081.4); short protein forms P28Q.
Identifiers: ClinVar variation 3304023 (VCV003304023.1).